The following is an entry in ClinVar:

NM_018109.4(MTPAP):c.585G>A (p.Lys195=)

Gene: MTPAP (mitochondrial poly(A) polymerase; minus strand). Cytogenetic location: 10p11.23.
Variant type: single nucleotide variant.
Coding change: c.585G>A on transcript NM_018109.4 (MANE Select); coding-DNA position 585, G replaced by A.
Protein change: p.Lys195=; no amino-acid change (lysine 195 retained).
Molecular consequence: synonymous variant.
Genome position (GRCh38, 1-based): chr10:30,336,998, C>T on the plus strand (G>A on the coding strand, the complement: MTPAP is on the minus strand). VCF-style: chr10-30336998-C-T. GRCh37 (hg19) VCF-style: chr10-30625927-C-T.
Identifiers: ClinVar variation 379864 (VCV000379864.19), dbSNP rs144945655, ClinGen allele CA5459145.

ClinVar aggregate classification (germline): Benign/Likely benign. Review status: criteria provided, multiple submitters, no conflicts (2 of 4 stars). 6 submissions from 6 submitters: Benign (2); Likely benign (3). 1 of the submissions does not count toward it. Last evaluated 2026-02-02.

Conditions:
MTPAP-related disorder. Also called: MTPAP-related condition.

Allele frequency attached by ClinVar (database versions not stated): gnomAD exomes 0.00020 and 0.00053; ExAC 0.00063; 1000 Genomes Project 0.00120; 1000 Genomes Project 30x 0.00156; gnomAD 0.00216 and 0.00240; TOPMed 0.00247; ESP Exome Variant Server 0.00315.
gnomAD v4.1: 655 of 1,613,468 alleles (0.041%); highest among the groups gnomAD compares: African/African-American, 0.76%; 4 homozygotes.

Submissions (6):

Labcorp Genetics (formerly Invitae), Labcorp
Classification: Benign. Last evaluated: 2026-02-02. Review status: criteria provided, single submitter. Criteria: Invitae Variant Classification Sherloc (09022015). Collection method: clinical testing. Allele origin: germline.

Blueprint Genetics
Classification: Likely benign. Last evaluated: 2024-11-14. Review status: criteria provided, single submitter. Criteria: ACMG Guidelines, 2015. Collection method: clinical testing. Allele origin: germline.

Athena Diagnostics
Classification: Benign. Last evaluated: 2024-01-23. Review status: criteria provided, single submitter. Criteria: Athena Diagnostics Criteria. Collection method: clinical testing. Allele origin: unknown.

GeneDx
Classification: Likely benign. Last evaluated: 2019-07-09. Review status: criteria provided, single submitter. Criteria: GeneDx Variant Classification Process June 2021. Collection method: clinical testing. Allele origin: germline. Affected: yes.

Breakthrough Genomics
Classification: Likely benign. Review status: criteria provided, single submitter. Criteria: ACMG Guidelines, 2015. Collection method: not provided. Allele origin: germline. Inheritance: Autosomal recessive inheritance. Affected: yes.

PreventionGenetics, part of Exact Sciences
Classification: Benign for MTPAP-related condition. Last evaluated: 2019-06-27. Review status: no assertion criteria provided. Collection method: clinical testing. Allele origin: germline. Not counted in ClinVar's aggregate classification.
Comment: This variant is classified as benign based on ACMG/AMP sequence variant interpretation guidelines (Richards et al. 2015 PMID: 25741868, with internal and published modifications).